The following is an entry in ClinVar:

NM_004168.4(SDHA):c.777C>G (p.Tyr259Ter)

Gene: SDHA (succinate dehydrogenase complex flavoprotein subunit A; plus strand). Cytogenetic location: 5p15.33.
Variant type: single nucleotide variant.
Coding change: c.777C>G on transcript NM_004168.4 (MANE Select); coding-DNA position 777, C replaced by G.
Protein change: p.Tyr259Ter; replaces tyrosine 259 with a stop codon.
Molecular consequence: nonsense.
Genome position (GRCh38, 1-based): chr5:230,882, C>G. VCF-style: chr5-230882-C-G. GRCh37 (hg19) VCF-style: chr5-230997-C-G.
Other names: c.633C>G, p.Tyr211Ter (NM_001294332.2); c.777C>G, p.Tyr259Ter (NM_001330758.2); short protein forms Y211*, Y259*.
Identifiers: ClinVar variation 2573232 (VCV002573232.1), dbSNP rs140243793, ClinGen allele CA359011531.
Genomic context (GRCh38, chr5:230,882, plus strand): 5'-AGGAGGTCCAGATGTGGGCCGCTGTGTGCAGTCACTGCTCTCTATTGTTTCCAGAGGCTA[C>G]GGGCGCACCTACTTCAGCTGCACGTCTGCCCACACCAGCACTGGCGACGGCACGGCCATG-3'

ClinVar aggregate classification (germline): Pathogenic (1 of 4 stars; one submission).

Conditions:
Pheochromocytoma/paraganglioma syndrome 5. Also called: Paragangliomas 5; SDHA-Related Hereditary Paraganglioma-Pheochromocytoma Syndrome. Identifiers: Orphanet 29072, MedGen C3279992, MONDO:0013602, OMIM 614165.

Submission:

Myriad Genetics, Inc.
Classification: Pathogenic for Pheochromocytoma/paraganglioma syndrome 5. Last evaluated: 2023-02-07. Review status: criteria provided, single submitter. Criteria: Myriad Autosomal Dominant, Autosomal Recessive and X-Linked Classification Criteria (2023). Collection method: clinical testing. Allele origin: unknown.
Comment: This variant is considered pathogenic. This variant creates a termination codon and is predicted to result in premature protein truncation.